The following is an entry in ClinVar:

NM_000059.4(BRCA2):c.8161C>G (p.Leu2721Val)

Gene: BRCA2 (BRCA2 DNA repair associated; plus strand). Cytogenetic location: 13q13.1.
Variant type: single nucleotide variant.
Coding change: c.8161C>G on transcript NM_000059.4 (MANE Select); coding-DNA position 8161, C replaced by G.
Protein change: p.Leu2721Val; replaces leucine 2721 with valine.
Molecular consequence: missense variant.
Genome position (GRCh38, 1-based): chr13:32,363,363, C>G. VCF-style: chr13-32363363-C-G. GRCh37 (hg19) VCF-style: chr13-32937500-C-G.
Other names: c.8065C>G, p.Leu2689Val (NM_001406719.1); c.8161C>G, p.Leu2721Val (NM_001406720.1); c.3229C>G, p.Leu1077Val (NM_001406721.1); c.1744C>G, p.Leu582Val (NM_001406722.1); short protein forms L1077V, L2689V, L582V, L2721V.
Identifiers: ClinVar variation 1762231 (VCV001762231.4), dbSNP rs2072757587, ClinGen allele CA387749564.

ClinVar aggregate classification (germline): Conflicting classifications of pathogenicity. Review status: criteria provided, conflicting classifications (1 of 4 stars). 2 submissions from 2 submitters: Uncertain significance (1); Likely benign (1). Last evaluated 2025-05-08.

Conditions:
Hereditary cancer-predisposing syndrome. Also called: Neoplastic Syndromes, Hereditary; Tumor predisposition; Hereditary Cancer Syndrome; Hereditary neoplastic syndrome. Identifiers: Orphanet 140162, MedGen C0027672, MeSH D009386, MONDO:0015356.
Hereditary breast ovarian cancer syndrome. Also called: Hereditary breast and ovarian cancer; Hereditary breast and ovarian cancer syndrome (HBOC); BRCA1- and BRCA2-Associated Hereditary Breast and Ovarian Cancer; Breast and ovarian cancer; Hereditary breast and/or ovarian cancer syndrome; Hereditary breast and ovarian cancer syndrome. Identifiers: Orphanet 145, MedGen C0677776, MeSH D061325, MONDO:0003582. Disease mechanism: loss of function.

Submissions (2):

Ambry Genetics
Classification: Likely benign for Hereditary cancer-predisposing syndrome. Last evaluated: 2025-05-08. Review status: criteria provided, single submitter. Criteria: Ambry Variant Classification Scheme 2023. Collection method: clinical testing. Allele origin: germline.

Labcorp Genetics (formerly Invitae), Labcorp
Classification: Uncertain significance for Hereditary breast ovarian cancer syndrome. Last evaluated: 2025-04-16. Review status: criteria provided, single submitter. Criteria: Invitae Variant Classification Sherloc (09022015). Collection method: clinical testing. Allele origin: germline.
Comment: This sequence change replaces leucine, which is neutral and non-polar, with valine, which is neutral and non-polar, at codon 2721 of the BRCA2 protein (p.Leu2721Val). This variant is not present in population databases (gnomAD no frequency). This variant has not been reported in the literature in individuals affected with BRCA2-related conditions. ClinVar contains an entry for this variant (Variation ID: 1762231). Invitae Evidence Modeling of protein sequence and biophysical properties (such as structural, functional, and spatial information, amino acid conservation, physicochemical variation, residue mobility, and thermodynamic stability) indicates that this missense variant is not expected to disrupt BRCA2 protein function with a negative predictive value of 95%. In summary, the available evidence is currently insufficient to determine the role of this variant in disease. Therefore, it has been classified as a Variant of Uncertain Significance.